The following is an entry in ClinVar:

ClinVar aggregate classification (germline): Uncertain significance. Review status: criteria provided, multiple submitters, no conflicts (2 of 4 stars). 2 submissions from 2 submitters: Uncertain significance (2). Last evaluated 2025-09-15.

Allele frequency attached by ClinVar (database versions not stated): gnomAD 0.00001.
gnomAD v4.1: 7 of 1,614,156 alleles (0.00043%); highest among the groups gnomAD compares: East Asian, 0.016%; no homozygotes.

Submissions (2):

Labcorp Genetics (formerly Invitae), Labcorp
Classification: Uncertain significance. Last evaluated: 2025-09-15. Review status: criteria provided, single submitter. Criteria: Invitae Variant Classification Sherloc (09022015). Collection method: clinical testing. Allele origin: germline.
Comment: This sequence change replaces alanine, which is neutral and non-polar, with serine, which is neutral and polar, at codon 777 of the MYLK3 protein (p.Ala777Ser). This variant is not present in population databases (gnomAD no frequency). This variant has not been reported in the literature in individuals affected with MYLK3-related conditions. ClinVar contains an entry for this variant (Variation ID: 1939857). An algorithm developed to predict the effect of missense changes on protein structure and function (PolyPhen-2) suggests that this variant is likely to be disruptive. In summary, the available evidence is currently insufficient to determine the role of this variant in disease. Therefore, it has been classified as a Variant of Uncertain Significance.

Ambry Genetics
Classification: Uncertain significance. Last evaluated: 2024-02-13. Review status: criteria provided, single submitter. Criteria: Ambry Variant Classification Scheme 2023. Collection method: clinical testing. Allele origin: germline.

NM_182493.3(MYLK3):c.2329G>T (p.Ala777Ser)

Gene: MYLK3 (myosin light chain kinase 3; minus strand). Cytogenetic location: 16q11.2.
Variant type: single nucleotide variant.
Coding change: c.2329G>T on transcript NM_182493.3 (MANE Select); coding-DNA position 2329, G replaced by T.
Protein change: p.Ala777Ser; replaces alanine 777 with serine.
Molecular consequence: missense variant.
Genome position (GRCh38, 1-based): chr16:46,709,610, C>A on the plus strand (G>T on the coding strand, the complement: MYLK3 is on the minus strand). VCF-style: chr16-46709610-C-A. GRCh37 (hg19) VCF-style: chr16-46743522-C-A.
Other names: c.1306G>T, p.Ala436Ser (NM_001308301.1); c.2329G>T (NM_182493.2); short protein forms A436S, A777S.
Identifiers: ClinVar variation 1939857 (VCV001939857.6), dbSNP rs1324199354, ClinGen allele CA395785861.